The following is an entry in ClinVar:

ClinVar aggregate classification (germline): Uncertain significance (1 of 4 stars; one submission).

Conditions:
Joubert syndrome. Also called: CEREBELLOPARENCHYMAL DISORDER IV; JOUBERT-BOLTSHAUSER SYNDROME; Familial aplasia of the vermis. Identifiers: Orphanet 475, MedGen C5979921, MONDO:0018772.
Orofaciodigital syndrome I (OFD1). Also called: OFDS I; Papillon-Leage and Psaume Syndrome; Oral-Facial-Digital Syndrome Type I. Identifiers: Orphanet 2750, MedGen C1510460, MONDO:0010702, OMIM 311200.

Allele frequency attached by ClinVar (database versions not stated): gnomAD exomes below 0.00001.
gnomAD v4.1: 1 of 1,210,814 alleles (0.000083%); highest among the groups gnomAD compares: Non-Finnish European, 0.00011%; no homozygotes.

Submission:

Labcorp Genetics (formerly Invitae), Labcorp
Classification: Uncertain significance for Orofaciodigital syndrome I; Joubert syndrome. Last evaluated: 2024-12-10. Review status: criteria provided, single submitter. Criteria: Invitae Variant Classification Sherloc (09022015). Collection method: clinical testing. Allele origin: germline.
Comment: This sequence change replaces leucine, which is neutral and non-polar, with serine, which is neutral and polar, at codon 958 of the OFD1 protein (p.Leu958Ser). This variant is not present in population databases (gnomAD no frequency). This variant has not been reported in the literature in individuals affected with OFD1-related conditions. ClinVar contains an entry for this variant (Variation ID: 1490283). Invitae Evidence Modeling of protein sequence and biophysical properties (such as structural, functional, and spatial information, amino acid conservation, physicochemical variation, residue mobility, and thermodynamic stability) has been performed for this missense variant. However, the output from this modeling did not meet the statistical confidence thresholds required to predict the impact of this variant on OFD1 protein function. In summary, the available evidence is currently insufficient to determine the role of this variant in disease. Therefore, it has been classified as a Variant of Uncertain Significance.

NM_003611.3(OFD1):c.2873T>C (p.Leu958Ser)

Gene: OFD1 (OFD1 centriole and centriolar satellite protein; plus strand). Cytogenetic location: Xp22.2.
Variant type: single nucleotide variant.
Coding change: c.2873T>C on transcript NM_003611.3 (MANE Select); coding-DNA position 2873, T replaced by C.
Protein change: p.Leu958Ser; replaces leucine 958 with serine.
Molecular consequence: missense variant.
Genome position (GRCh38, 1-based): chrX:13,768,169, T>C. VCF-style: chrX-13768169-T-C. GRCh37 (hg19) VCF-style: chrX-13786288-T-C.
Other names: c.2753T>C, p.Leu918Ser (NM_001330209.2); c.2453T>C, p.Leu818Ser (NM_001330210.2); short protein forms L818S, L958S, L918S.
Identifiers: ClinVar variation 1490283 (VCV001490283.8), dbSNP rs2147086332, ClinGen allele CA412313521.